The following is an entry in ClinVar:

NM_006514.4(SCN10A):c.997G>A (p.Asp333Asn)

Gene: SCN10A (sodium voltage-gated channel alpha subunit 10; minus strand). Cytogenetic location: 3p22.2.
Variant type: single nucleotide variant.
Coding change: c.997G>A on transcript NM_006514.4 (MANE Select); coding-DNA position 997, G replaced by A.
Protein change: p.Asp333Asn; replaces aspartic acid 333 with asparagine.
Molecular consequence: missense variant.
Genome position (GRCh38, 1-based): chr3:38,757,113, C>T on the plus strand (G>A on the coding strand, the complement: SCN10A is on the minus strand). VCF-style: chr3-38757113-C-T. GRCh37 (hg19) VCF-style: chr3-38798604-C-T.
Other names: c.997G>A, p.Asp333Asn (NM_001293306.2, NM_001293307.2); short protein forms D333N.
Identifiers: ClinVar variation 4771053 (VCV004771053.1).
Genomic context (GRCh38, chr3:38,757,113, plus strand): 5'-TGAGGCGGAACAGTGAGAGGAAAGCCCAAGCAAAGGAATCAAAGCTGGTGTAGTTAAAAT[C>T]CGGGTTGTCAGAAGTTTTAAGGCAGATATAACCATCAGGGCAGTGGCTGCAGCAAGAACA-3'
Protein context (NP_006505.4, residues 323-343): YICLKTSDNP[Asp333Asn]FNYTSFDSFA

ClinVar aggregate classification (germline): Uncertain significance (1 of 4 stars; one submission).

Conditions:
Brugada syndrome. Also called: Sudden unexpected nocturnal death syndrome; Sudden Unexplained Death Syndrome; Sudden Unexplained Nocturnal Death Syndrome (SUNDS); Sudden unexplained nocturnal death syndrome. Identifiers: Orphanet 130, MedGen C1142166, MONDO:0015263.

gnomAD v4.1: 2 of 1,613,420 alleles (0.00012%); highest among the groups gnomAD compares: Admixed American, 0.0033%; no homozygotes.

Submission:

Labcorp Genetics (formerly Invitae), Labcorp
Classification: Uncertain significance for Brugada syndrome. Last evaluated: 2025-08-04. Review status: criteria provided, single submitter. Criteria: Invitae Variant Classification Sherloc (09022015). Collection method: clinical testing. Allele origin: germline.
Comment: This sequence change replaces aspartic acid, which is acidic and polar, with asparagine, which is neutral and polar, at codon 333 of the SCN10A protein (p.Asp333Asn). This variant is present in population databases (rs755026641, gnomAD 0.006%). This variant has not been reported in the literature in individuals affected with SCN10A-related conditions. Invitae Evidence Modeling of protein sequence and biophysical properties (such as structural, functional, and spatial information, amino acid conservation, physicochemical variation, residue mobility, and thermodynamic stability) indicates that this missense variant is not expected to disrupt SCN10A protein function with a negative predictive value of 80%. Algorithms developed to predict the effect of sequence changes on RNA splicing suggest that this variant may disrupt the consensus splice site. In summary, the available evidence is currently insufficient to determine the role of this variant in disease. Therefore, it has been classified as a Variant of Uncertain Significance.